The following is an entry in ClinVar:

NM_004006.3(DMD):c.6074C>T (p.Ala2025Val)

Gene: DMD (dystrophin; minus strand). Cytogenetic location: Xp21.1.
Variant type: single nucleotide variant.
Coding change: c.6074C>T on transcript NM_004006.3 (MANE Select); coding-DNA position 6074, C replaced by T.
Protein change: p.Ala2025Val; replaces alanine 2025 with valine.
Molecular consequence: missense variant.
Genome position (GRCh38, 1-based): chrX:32,310,125, G>A on the plus strand (C>T on the coding strand, the complement: DMD is on the minus strand). VCF-style: chrX-32310125-G-A. GRCh37 (hg19) VCF-style: chrX-32328242-G-A.
Other names: c.6050C>T, p.Ala2017Val (NM_000109.4); c.6062C>T, p.Ala2021Val (NM_004009.3); c.5705C>T, p.Ala1902Val (NM_004010.3); c.2051C>T, p.Ala684Val (NM_004011.4); c.2042C>T, p.Ala681Val (NM_004012.4); short protein forms A1902V, A2017V, A2021V, A2025V, A681V, A684V.
Identifiers: ClinVar variation 4804795 (VCV004804795.1).

ClinVar aggregate classification (germline): Uncertain significance (1 of 4 stars; one submission).

Conditions:
Duchenne muscular dystrophy (DMD). Also called: Duchenne Muscular Dystrophy (DMD); MUSCULAR DYSTROPHY, PSEUDOHYPERTROPHIC PROGRESSIVE, DUCHENNE TYPE. Identifiers: Orphanet 98896, MedGen C0013264, MONDO:0010679, OMIM 310200.

Submission:

Labcorp Genetics (formerly Invitae), Labcorp
Classification: Uncertain significance for Duchenne muscular dystrophy. Last evaluated: 2025-05-11. Review status: criteria provided, single submitter. Criteria: Invitae Variant Classification Sherloc (09022015). Collection method: clinical testing. Allele origin: germline.
Comment: This sequence change replaces alanine, which is neutral and non-polar, with valine, which is neutral and non-polar, at codon 2025 of the DMD protein (p.Ala2025Val). This variant is not present in population databases (gnomAD no frequency). This variant has not been reported in the literature in individuals affected with DMD-related conditions. Invitae Evidence Modeling of protein sequence and biophysical properties (such as structural, functional, and spatial information, amino acid conservation, physicochemical variation, residue mobility, and thermodynamic stability) indicates that this missense variant is not expected to disrupt DMD protein function with a negative predictive value of 95%. In summary, the available evidence is currently insufficient to determine the role of this variant in disease. Therefore, it has been classified as a Variant of Uncertain Significance.